The following is an entry in ClinVar:

NM_000348.4(SRD5A2):c.158G>A (p.Trp53Ter)

Gene: SRD5A2 (steroid 5 alpha-reductase 2; minus strand). Cytogenetic location: 2p23.1.
Variant type: single nucleotide variant.
Coding change: c.158G>A on transcript NM_000348.4 (MANE Select); coding-DNA position 158, G replaced by A.
Protein change: p.Trp53Ter; replaces tryptophan 53 with a stop codon.
Molecular consequence: nonsense.
Genome position (GRCh38, 1-based): chr2:31,580,743, C>T on the plus strand (G>A on the coding strand, the complement: SRD5A2 is on the minus strand). VCF-style: chr2-31580743-C-T. GRCh37 (hg19) VCF-style: chr2-31805813-C-T.
Other names: short protein forms W53*.
Identifiers: ClinVar variation 2734145 (VCV002734145.3), dbSNP rs1667063572, ClinGen allele CA346599001.

ClinVar aggregate classification (germline): Pathogenic (1 of 4 stars; one submission).

Conditions:
3-Oxo-5 alpha-steroid delta 4-dehydrogenase deficiency (PPSH). Also called: PSEUDOVAGINAL PERINEOSCROTAL HYPOSPADIAS; FAMILIAL INCOMPLETE MALE PSEUDOHERMAPHRODITISM, TYPE 2; MALE PSEUDOHERMAPHRODITISM DUE TO 5-ALPHA-REDUCTASE DEFICIENCY; 46,XY disorder of sex development due to 5-alpha-reductase 2 deficiency. Identifiers: Orphanet 753, MedGen C0268297, MONDO:0009923, OMIM 264600. Disease mechanism: loss of function.

Allele frequency attached by ClinVar (database versions not stated): gnomAD exomes below 0.00001; gnomAD 0.00001.
gnomAD v4.1: 2 of 1,609,738 alleles (0.00012%); highest among the groups gnomAD compares: Non-Finnish European, 0.00017%; no homozygotes.

Submission:

Labcorp Genetics (formerly Invitae), Labcorp
Classification: Pathogenic for 3-Oxo-5 alpha-steroid delta 4-dehydrogenase deficiency. Last evaluated: 2023-08-31. Review status: criteria provided, single submitter. Criteria: Invitae Variant Classification Sherloc (09022015). Collection method: clinical testing. Allele origin: germline.
Comment: For these reasons, this variant has been classified as Pathogenic. This premature translational stop signal has been observed in individual(s) with steroid-5 alpha-reductase deficiency (PMID: 17609295). This variant is not present in population databases (gnomAD no frequency). This sequence change creates a premature translational stop signal (p.Trp53*) in the SRD5A2 gene. It is expected to result in an absent or disrupted protein product. Loss-of-function variants in SRD5A2 are known to be pathogenic (PMID: 1406794, 1944596).

Literature cited by the submitters: PubMed 17609295; PubMed 1406794; PubMed 1944596.